The following is an entry in ClinVar:

ClinVar aggregate classification (germline): Likely benign (1 of 4 stars; one submission).

gnomAD v4.1: 10 of 1,583,118 alleles (0.00063%); highest among the groups gnomAD compares: East Asian, 0.0092%; no homozygotes.

Submission:

CeGaT Center for Human Genetics Tuebingen
Classification: Likely benign. Last evaluated: 2024-11-01. Review status: criteria provided, single submitter. Criteria: CeGaT Center For Human Genetics Tuebingen Variant Classification Criteria Version 2. Collection method: clinical testing. Allele origin: germline. Affected: yes. Observed: 1 variant allele.
Comment: CFAP100: BP4, BP7

NM_182628.3(CFAP100):c.537G>A (p.Ala179=)

Gene: CFAP100 (cilia and flagella associated protein 100; plus strand). Cytogenetic location: 3q21.3.
Variant type: single nucleotide variant.
Coding change: c.537G>A on transcript NM_182628.3 (MANE Select); coding-DNA position 537, G replaced by A.
Protein change: p.Ala179=; no amino-acid change (alanine 179 retained).
Molecular consequence: synonymous variant.
Genome position (GRCh38, 1-based): chr3:126,418,661, G>A. VCF-style: chr3-126418661-G-A. GRCh37 (hg19) VCF-style: chr3-126137504-G-A.
Identifiers: ClinVar variation 3390018 (VCV003390018.14).